The following is an entry in ClinVar:

ClinVar aggregate classification (germline): Uncertain significance (1 of 4 stars; one submission).

Conditions:
Palatal anomalies-widely spaced teeth-facial dysmorphism-developmental delay syndrome. Also called: Cleft palate, psychomotor retardation, and distinctive facial features. Identifiers: Orphanet 477993, MedGen C4225229, MONDO:0014751, OMIM 616728.

Submission:

Victorian Clinical Genetics Services, Murdoch Childrens Research Institute
Classification: Uncertain significance for Palatal anomalies-widely spaced teeth-facial dysmorphism-developmental delay syndrome. Last evaluated: 2022-02-02. Review status: criteria provided, single submitter. Criteria: ACMG Guidelines, 2015. Collection method: clinical testing. Allele origin: germline. Inheritance: Autosomal dominant inheritance.
Comment: Based on the classification scheme VCGS_Germline_v1.3.4, this variant is classified as VUS-3B. Following criteria are met: 0102 - Loss of function is a known mechanism of disease in this gene and is associated with cleft palate, psychomotor retardation, and distinctive facial features (MIM#616728). (I) 0107 - This gene is associated with autosomal dominant disease. (I) 0201 - Variant is predicted to cause nonsense-mediated decay (NMD) and loss of protein (premature termination codon is located at least 54 nucleotides upstream of the final exon-exon junction). (SP) 0251 - This variant is heterozygous. (I) 0301 - Variant is absent from gnomAD (both v2 and v3). (SP) 0710 - Another NMD-predicted variant comparable to the one identified in this case has inconclusive previous evidence for pathogenicity. While one other NMD-predicted variant has been classified as likely pathogenic by a diagnostic laboratory in ClinVar, no further evidence was provided. In addition, only missense variants have been reported for cleft palate, psychomotor retardation, and distinctive facial features (MIM#616728) thus far (PMID: 27094131). (I) 0807 - This variant has no previous evidence of pathogenicity. (I) 0905 - No published segregation evidence has been identified for this variant. (I) 1007 - No published functional evidence has been identified for this variant. (I) 1208 - Inheritance information for this variant is not currently available in this individual. (I) Legend: (SP) - Supporting pathogenic, (I) - Information, (SB) - Supporting benign

Literature cited by the submitters: PubMed 27094131.

NM_001009999.3(KDM1A):c.1123_1126dup (p.Ile376fs)

Gene: KDM1A (lysine demethylase 1A; plus strand). Cytogenetic location: 1p36.12.
Variant type: Duplication.
Coding change: c.1123_1126dup on transcript NM_001009999.3 (MANE Select); coding-DNA positions 1123 to 1126, 4 bases duplicated (AAGA; older notation c.1123_1126dupAAGA).
Protein change: p.Ile376fs; shifts the reading frame from isoleucine 376.
Molecular consequence: frameshift variant.
Genome position (GRCh38, 1-based): chr1:23,059,123-23,059,126, AAGA duplicated. VCF-style (leftmost placement, unchanged base first): chr1-23059122-C-CAAGA. GRCh37 (hg19) VCF-style: chr1-23385615-C-CAAGA.
Other names: c.1063_1066dup, p.Ile356fs (NM_001363654.2, NM_015013.4); c.1123_1126dup, p.Ile376Lysfs (NM_001410762.1); c.1063_1066dup, p.Ile356Lysfs (NM_001410763.1); short protein forms I356fs, I376fs.
Identifiers: ClinVar variation 1805220 (VCV001805220.1), dbSNP rs2522714897, ClinGen allele CA2573050725.